The following is an entry in ClinVar:

ClinVar aggregate classification (germline): Uncertain significance. Review status: criteria provided, multiple submitters, no conflicts (2 of 4 stars). 2 submissions from 2 submitters: Uncertain significance (2). Last evaluated 2025-08-30.

Conditions:
Ataxia-telangiectasia syndrome (AT). Also called: LOUIS-BAR SYNDROME; AT, COMPLEMENTATION GROUP C; ATAXIA-TELANGIECTASIA, COMPLEMENTATION GROUP A; ATAXIA-TELANGIECTASIA, FRESNO VARIANT; Ataxia-telangiectasia; Cerebello-oculocutaneous telangiectasia. Identifiers: Orphanet 100, MedGen C0004135, MONDO:0008840, OMIM 208900.
Hereditary cancer-predisposing syndrome. Also called: Neoplastic Syndromes, Hereditary; Tumor predisposition; Hereditary neoplastic syndrome; Hereditary Cancer Syndrome. Identifiers: Orphanet 140162, MedGen C0027672, MeSH D009386, MONDO:0015356.

Submissions (2):

Color Diagnostics, LLC DBA Color Health
Classification: Uncertain significance for Hereditary cancer-predisposing syndrome. Last evaluated: 2025-08-30. Review status: criteria provided, single submitter. Criteria: ACMG Guidelines, 2015. Collection method: clinical testing. Allele origin: germline.
Comment: This missense variant replaces glutamic acid with aspartic acid at codon 347 of the ATM protein. Computational prediction suggests that this variant may not impact protein structure and function. To our knowledge, functional studies have not been reported for this variant. This variant has not been reported in individuals affected with ATM-related disorders in the literature. This variant has not been identified in the general population by the Genome Aggregation Database (gnomAD). The available evidence is insufficient to determine the role of this variant in disease conclusively. Therefore, this variant is classified as a Variant of Uncertain Significance.

Labcorp Genetics (formerly Invitae), Labcorp
Classification: Uncertain significance for Ataxia-telangiectasia syndrome. Last evaluated: 2023-09-19. Review status: criteria provided, single submitter. Criteria: Invitae Variant Classification Sherloc (09022015). Collection method: clinical testing. Allele origin: germline.
Comment: In summary, the available evidence is currently insufficient to determine the role of this variant in disease. Therefore, it has been classified as a Variant of Uncertain Significance. Algorithms developed to predict the effect of missense changes on protein structure and function output the following: SIFT: "Not Available"; PolyPhen-2: "Benign"; Align-GVGD: "Not Available". The aspartic acid amino acid residue is found in multiple mammalian species, which suggests that this missense change does not adversely affect protein function. This variant has not been reported in the literature in individuals affected with ATM-related conditions. This variant is not present in population databases (gnomAD no frequency). This sequence change replaces glutamic acid, which is acidic and polar, with aspartic acid, which is acidic and polar, at codon 347 of the ATM protein (p.Glu347Asp).

NM_000051.4(ATM):c.1041A>C (p.Glu347Asp)

Gene: ATM (ATM serine/threonine kinase; plus strand). Cytogenetic location: 11q22.3.
Variant type: single nucleotide variant.
Coding change: c.1041A>C on transcript NM_000051.4 (MANE Select); coding-DNA position 1041, A replaced by C.
Protein change: p.Glu347Asp; replaces glutamic acid 347 with aspartic acid.
Molecular consequence: missense variant.
Genome position (GRCh38, 1-based): chr11:108,247,103, A>C. VCF-style: chr11-108247103-A-C. GRCh37 (hg19) VCF-style: chr11-108117830-A-C.
Other names: c.1041A>C, p.Glu347Asp (NM_001351834.2); short protein forms E347D.
Identifiers: ClinVar variation 2761743 (VCV002761743.4), dbSNP rs2135268758, ClinGen allele CA382531695.